The following is an entry in ClinVar:

NM_002900.3(RBP3):c.1782G>A (p.Pro594=)

Gene: RBP3 (retinol binding protein 3; plus strand). Cytogenetic location: 10q11.22.
Variant type: single nucleotide variant.
Coding change: c.1782G>A on transcript NM_002900.3 (MANE Select); coding-DNA position 1782, G replaced by A.
Protein change: p.Pro594=; no amino-acid change (proline 594 retained).
Molecular consequence: synonymous variant.
Genome position (GRCh38, 1-based): chr10:47,350,266, G>A. VCF-style: chr10-47350266-G-A. GRCh37 (hg19) VCF-style: chr10-48389096-C-T.
Identifiers: ClinVar variation 940638 (VCV000940638.35), dbSNP rs147386314, ClinGen allele CA5487429.
Genomic context (GRCh38, chr10:47,350,266, plus strand): 5'-GCACACCCGCACGGTGCCGCTGCTGGACACACCCGAAGGCAGCCTCGCGCTCACCGTGCC[G>A]GTCCTCACCTTCATCGACAATCACGGCGAGGCCTGGCTGGGTGGTGGAGTGGTGCCCGAT-3'
Protein context (NP_002891.1, residues 584-604): TPEGSLALTV[Pro594=]VLTFIDNHGE

ClinVar aggregate classification (germline): Likely benign. Review status: criteria provided, multiple submitters, no conflicts (2 of 4 stars). 4 submissions from 4 submitters: Likely benign (3). 1 of the submissions does not count toward it. Last evaluated 2024-10-09.

Conditions:
RBP3-related disorder. Also called: RBP3-related condition.

Allele frequency attached by ClinVar (database versions not stated): ExAC 0.00003; gnomAD exomes 0.00003; TOPMed 0.00004; ESP Exome Variant Server 0.00008.
gnomAD v4.1: 56 of 1,607,558 alleles (0.0035%); highest among the groups gnomAD compares: East Asian, 0.0045%; no homozygotes.

Submissions (4):

Blueprint Genetics
Classification: Likely benign. Last evaluated: 2024-10-09. Review status: criteria provided, single submitter. Criteria: ACMG Guidelines, 2015. Collection method: clinical testing. Allele origin: germline.

CeGaT Center for Human Genetics Tuebingen
Classification: Likely benign. Last evaluated: 2023-07-01. Review status: criteria provided, single submitter. Criteria: CeGaT Center For Human Genetics Tuebingen Variant Classification Criteria Version 2. Collection method: clinical testing. Allele origin: germline. Affected: yes. Observed: 1 variant allele.
Comment: RBP3: BP4, BP7

Labcorp Genetics (formerly Invitae), Labcorp
Classification: Likely benign. Last evaluated: 2022-08-16. Review status: criteria provided, single submitter. Criteria: Invitae Variant Classification Sherloc (09022015). Collection method: clinical testing. Allele origin: germline.

PreventionGenetics, part of Exact Sciences
Classification: Likely benign for RBP3-related condition. Last evaluated: 2023-02-21. Review status: no assertion criteria provided. Collection method: clinical testing. Allele origin: germline. Not counted in ClinVar's aggregate classification.
Comment: This variant is classified as likely benign based on ACMG/AMP sequence variant interpretation guidelines (Richards et al. 2015 PMID: 25741868, with internal and published modifications).